The following is an entry in ClinVar:

NM_001130144.3(LTBP3):c.3776G>A (p.Arg1259Gln)

Gene: LTBP3 (latent transforming growth factor beta binding protein 3; minus strand). Cytogenetic location: 11q13.1.
Variant type: single nucleotide variant.
Coding change: c.3776G>A on transcript NM_001130144.3 (MANE Select); coding-DNA position 3776, G replaced by A.
Protein change: p.Arg1259Gln; replaces arginine 1259 with glutamine.
Molecular consequence: missense variant.
Genome position (GRCh38, 1-based): chr11:65,539,216, C>T on the plus strand (G>A on the coding strand, the complement: LTBP3 is on the minus strand). VCF-style: chr11-65539216-C-T. GRCh37 (hg19) VCF-style: chr11-65306687-C-T.
Other names: c.3284G>A, p.Arg1095Gln (NM_001164266.1); c.3635G>A, p.Arg1212Gln (NM_021070.4); short protein forms R1212Q, R1259Q, R1095Q.
Identifiers: ClinVar variation 1734798 (VCV001734798.7), dbSNP rs1020894781, ClinGen allele CA224008171.

ClinVar aggregate classification (germline): Uncertain significance. Review status: criteria provided, multiple submitters, no conflicts (2 of 4 stars). 2 submissions from 2 submitters: Uncertain significance (2). Last evaluated 2025-10-01.

Conditions:
Brachyolmia-amelogenesis imperfecta syndrome. Also called: Tooth agenesis, selective, 6; Dental anomalies and short stature; PLATYSPONDYLY WITH AMELOGENESIS IMPERFECTA. Identifiers: Orphanet 2899, MedGen C1832594, MONDO:0011018, OMIM 601216. Disease mechanism: loss of function.
Inborn genetic diseases. Identifiers: MedGen C0950123, MeSH D030342.

Allele frequency attached by ClinVar (database versions not stated): gnomAD exomes below 0.00001; TOPMed below 0.00001; gnomAD 0.00001.
gnomAD v4.1: 6 of 1,526,452 alleles (0.00039%); highest among the groups gnomAD compares: African/African-American, 0.0042%; no homozygotes.

Submissions (2):

Labcorp Genetics (formerly Invitae), Labcorp
Classification: Uncertain significance for Brachyolmia-amelogenesis imperfecta syndrome. Last evaluated: 2025-10-01. Review status: criteria provided, single submitter. Criteria: Invitae Variant Classification Sherloc (09022015). Collection method: clinical testing. Allele origin: germline.
Comment: This sequence change replaces arginine, which is basic and polar, with glutamine, which is neutral and polar, at codon 1259 of the LTBP3 protein (p.Arg1259Gln). This variant is not present in population databases (gnomAD no frequency). This variant has not been reported in the literature in individuals affected with LTBP3-related conditions. ClinVar contains an entry for this variant (Variation ID: 1734798). An algorithm developed to predict the effect of missense changes on protein structure and function (PolyPhen-2) suggests that this variant is likely to be disruptive. In summary, the available evidence is currently insufficient to determine the role of this variant in disease. Therefore, it has been classified as a Variant of Uncertain Significance.

Ambry Genetics
Classification: Uncertain significance for Inborn genetic diseases. Last evaluated: 2021-08-22. Review status: criteria provided, single submitter. Criteria: Ambry Variant Classification Scheme 2023. Collection method: clinical testing. Allele origin: germline.
Comment: The p.R1259Q variant (also known as c.3776G>A), located in coding exon 28 of the LTBP3 gene, results from a G to A substitution at nucleotide position 3776. The arginine at codon 1259 is replaced by glutamine, an amino acid with highly similar properties. This amino acid position is conserved. In addition, the in silico prediction for this alteration is inconclusive. Since supporting evidence is limited at this time, the clinical significance of this alteration remains unclear.